The following is an entry in ClinVar:

NM_006914.4(RORB):c.236-6A>G

Gene: RORB (RAR related orphan receptor B; plus strand). Cytogenetic location: 9q21.13.
Variant type: single nucleotide variant.
Coding change: c.236-6A>G on transcript NM_006914.4 (MANE Select); 6 bases into the intron before coding-DNA position 236, A replaced by G.
Molecular consequence: intron variant.
Genome position (GRCh38, 1-based): chr9:74,642,408, A>G. VCF-style: chr9-74642408-A-G. GRCh37 (hg19) VCF-style: chr9-77257324-A-G.
Other names: c.269-6A>G (NM_001365023.1).
Identifiers: ClinVar variation 1491293 (VCV001491293.8), dbSNP rs2118462025, ClinGen allele CA2573144687.

ClinVar aggregate classification (germline): Uncertain significance (1 of 4 stars; one submission).

Submission:

Labcorp Genetics (formerly Invitae), Labcorp
Classification: Uncertain significance. Last evaluated: 2021-03-26. Review status: criteria provided, single submitter. Criteria: Invitae Variant Classification Sherloc (09022015). Collection method: clinical testing. Allele origin: germline.
Comment: Algorithms developed to predict the effect of sequence changes on RNA splicing suggest that this variant may disrupt the consensus splice site, but this prediction has not been confirmed by published transcriptional studies. This variant has not been reported in the literature in individuals with RORB-related conditions. This variant is not present in population databases (ExAC no frequency). This sequence change falls in intron 3 of the RORB gene. It does not directly change the encoded amino acid sequence of the RORB protein. In summary, the available evidence is currently insufficient to determine the role of this variant in disease. Therefore, it has been classified as a Variant of Uncertain Significance.